The following is an entry in ClinVar:

ClinVar aggregate classification (germline): Pathogenic (1 of 4 stars; one submission).

Conditions:
Neuronal ceroid lipofuscinosis 2. Also called: TPP1-Related Neuronal Ceroid-Lipofuscinosis; JANSKY-BIELSCHOWSKY DISEASE NEURONAL CEROID LIPOFUSCINOSIS, LATE INFANTILE. Identifiers: Orphanet 168491, Orphanet 228349, Orphanet 79264, MedGen C1876161, MONDO:0008769, OMIM 204500.

Submission:

Human Genome Lab, NIMHANS, National Institute of Mental Health and Neuro Sciences
Classification: Pathogenic for Neuronal ceroid lipofuscinosis 2. Review status: criteria provided, single submitter. Criteria: ACMG Guidelines, 2015. Collection method: clinical testing. Allele origin: germline. Inheritance: Autosomal recessive inheritance. Affected: yes. Observed: 1 homozygote.
Comment: The frameshift duplication NM_000391.4:c.1450dup has not been reported previously as a pathogenic variant nor as a benign variant, to our knowledge. The NP_000382.3:p.Ile484Asnfs*7 variant is novel (not in any individuals) in 1000 Genomes,in gnomAD as well as in our inhouse database. This variant is predicted to cause loss of normal protein function through protein truncation caused by the frameshift mutation or such an mRNA is predicted to undergo nonsense mediated decay. The frame shifted sequence continues 7 residues until a stop codon is reached. This variant is a frameshift variant which occurs in an exon of TPP1 upstream of where nonsense mediated decay is predicted to occur. There are 24 downstream pathogenic loss of function variants, with the furthest variant being 76 residues downstream of this variant. This indicates that the region is critical to protein function. The p.Ile484Asnfs*7 variant is a loss of function variant in the gene TPP1, which is intolerant of Loss of Function variants, as indicated by the presence of existing pathogenic loss of function variant NP_000382.3:p.K18* and 58 others. In addition, the patient's clinical phenotype matches with that of the disorder caused by pathogenic variants in TPP1. For these reasons, this variant has been classified as Pathogenic (PM2 PVS1 PP4_Strong).

NM_000391.4(TPP1):c.1450dup (p.Ile484fs)

Gene: TPP1 (tripeptidyl peptidase 1; minus strand). Cytogenetic location: 11p15.4.
Variant type: Duplication.
Coding change: c.1450dup on transcript NM_000391.4 (MANE Select); coding-DNA position 1450, one base duplicated (A; older notation c.1450dupA).
Protein change: p.Ile484fs; shifts the reading frame from isoleucine 484.
Molecular consequence: frameshift variant.
Genome position (GRCh38, 1-based): chr11:6,614,967, T duplicated on the plus strand (A on the coding strand, the reverse complement: TPP1 is on the minus strand). VCF-style (leftmost placement, unchanged base first): chr11-6614966-A-AT. GRCh37 (hg19) VCF-style: chr11-6636197-A-AT.
Other names: short protein forms I484fs.
Identifiers: ClinVar variation 2627617 (VCV002627617.2), dbSNP rs2493795977, ClinGen allele CA2582341857.